The following is an entry in ClinVar:

NM_201384.3(PLEC):c.12868G>A (p.Glu4290Lys)

Gene: PLEC (plectin; minus strand). Cytogenetic location: 8q24.3.
Variant type: single nucleotide variant.
Coding change: c.12868G>A on transcript NM_201384.3 (MANE Select); coding-DNA position 12868, G replaced by A.
Protein change: p.Glu4290Lys; replaces glutamic acid 4290 with lysine.
Molecular consequence: missense variant.
Genome position (GRCh38, 1-based): chr8:143,916,953, C>T on the plus strand (G>A on the coding strand, the complement: PLEC is on the minus strand). VCF-style: chr8-143916953-C-T. GRCh37 (hg19) VCF-style: chr8-144991121-C-T.
Other names: c.12949G>A, p.Glu4317Lys (NM_000445.5); c.12826G>A, p.Glu4276Lys (NM_201378.4); c.12802G>A, p.Glu4268Lys (NM_201379.3); c.13279G>A, p.Glu4427Lys (NM_201380.4); c.12772G>A, p.Glu4258Lys (NM_201381.3); c.12868G>A, p.Glu4290Lys (NM_201382.4); c.12880G>A, p.Glu4294Lys (NM_201383.3); short protein forms E4294K, E4317K, E4427K, E4268K, E4276K, E4290K, E4258K.
Identifiers: ClinVar variation 1372893 (VCV001372893.6), dbSNP rs2130820629, ClinGen allele CA372478303.
Genomic context (GRCh38, chr8:143,916,953, plus strand): 5'-GCTGCCCCGTGATGTTATCCACCAGGTTCCGGTGCATGGCCTCGGTGATGGACACCTTCT[C>T]CAGCGTCTCCGTGTCCAGGATGCCAGCCACGGGGCCCGTCTCCTCAGTGGGGTCTGACCA-3'
Protein context (NP_958786.1, residues 4280-4300): VAGILDTETL[Glu4290Lys]KVSITEAMHR

ClinVar aggregate classification (germline): Uncertain significance (1 of 4 stars; one submission).

Conditions:
Epidermolysis bullosa simplex 5C, with pyloric atresia (EBS5C). Also called: PLEC-Related Epidermolysis Bullosa with Pyloric Atresia; Epidermolysis bullosa simplex with pyloric atresia; PLEC1-Related Epidermolysis Bullosa with Pyloric Atresia. Identifiers: Orphanet 158684, MedGen C2677349, MONDO:0012807, OMIM 612138.
Epidermolysis bullosa simplex 5B, with muscular dystrophy (EBS5B). Also called: EPIDERMOLYSIS BULLOSA SIMPLEX AND LIMB-GIRDLE MUSCULAR DYSTROPHY; Epidermolysis bullosa simplex with muscular dystrophy. Identifiers: Orphanet 257, MedGen C2931072, MONDO:0009181, OMIM 226670.
Epidermolysis bullosa simplex, Ogna type (EBS5A). Also called: Pidermolysis bullosa simplex 5A, Ogna type; EPIDERMOLYSIS BULLOSA SIMPLEX 5A, OGNA TYPE. Identifiers: Orphanet 79401, MedGen C0432317, MONDO:0007555, OMIM 131950.
Autosomal recessive limb-girdle muscular dystrophy type 2Q (LGMDR17). Also called: MUSCULAR DYSTROPHY, LIMB-GIRDLE, AUTOSOMAL RECESSIVE 17. Identifiers: Orphanet 254361, MedGen C3150989, MONDO:0013390, OMIM 613723.
Epidermolysis bullosa simplex with nail dystrophy (EBS5D). Identifiers: MedGen C4225309, MONDO:0014661, OMIM 616487.

Submission:

Labcorp Genetics (formerly Invitae), Labcorp
Classification: Uncertain significance for Autosomal recessive limb-girdle muscular dystrophy type 2Q; Epidermolysis bullosa simplex, Ogna type; Epidermolysis bullosa simplex with nail dystrophy; Epidermolysis bullosa simplex 5C, with pyloric atresia; Epidermolysis bullosa simplex 5B, with muscular dystrophy. Last evaluated: 2021-08-06. Review status: criteria provided, single submitter. Criteria: Invitae Variant Classification Sherloc (09022015). Collection method: clinical testing. Allele origin: germline.
Comment: In summary, the available evidence is currently insufficient to determine the role of this variant in disease. Therefore, it has been classified as a Variant of Uncertain Significance. Algorithms developed to predict the effect of missense changes on protein structure and function (SIFT, PolyPhen-2, Align-GVGD) all suggest that this variant is likely to be disruptive. This variant has not been reported in the literature in individuals affected with PLEC-related conditions. This variant is not present in population databases (ExAC no frequency). This sequence change replaces glutamic acid with lysine at codon 4317 of the PLEC protein (p.Glu4317Lys). The glutamic acid residue is highly conserved and there is a small physicochemical difference between glutamic acid and lysine.